The following is an entry in ClinVar:

ClinVar aggregate classification (germline): Uncertain significance (1 of 4 stars; one submission).

Conditions:
Ataxia-telangiectasia syndrome (AT). Also called: Ataxia-telangiectasia; AT, COMPLEMENTATION GROUP C; ATAXIA-TELANGIECTASIA, COMPLEMENTATION GROUP A; ATAXIA-TELANGIECTASIA, FRESNO VARIANT; Ataxia-telangiectasia, complementation group E; LOUIS-BAR SYNDROME. Identifiers: Orphanet 100, MedGen C0004135, MONDO:0008840, OMIM 208900.

Submission:

Labcorp Genetics (formerly Invitae), Labcorp
Classification: Uncertain significance for Ataxia-telangiectasia syndrome. Last evaluated: 2022-03-13. Review status: criteria provided, single submitter. Criteria: Invitae Variant Classification Sherloc (09022015). Collection method: clinical testing. Allele origin: germline.
Comment: Advanced modeling of protein sequence and biophysical properties (such as structural, functional, and spatial information, amino acid conservation, physicochemical variation, residue mobility, and thermodynamic stability) performed at Invitae indicates that this missense variant is not expected to disrupt ATM protein function. This variant has not been reported in the literature in individuals affected with ATM-related conditions. This variant is not present in population databases (gnomAD no frequency). This sequence change replaces arginine, which is basic and polar, with leucine, which is neutral and non-polar, at codon 1882 of the ATM protein (p.Arg1882Leu). In summary, the available evidence is currently insufficient to determine the role of this variant in disease. Therefore, it has been classified as a Variant of Uncertain Significance.

NM_000051.4(ATM):c.5645G>T (p.Arg1882Leu)

Gene: ATM (ATM serine/threonine kinase; plus strand). Cytogenetic location: 11q22.3.
Variant type: single nucleotide variant.
Coding change: c.5645G>T on transcript NM_000051.4 (MANE Select); coding-DNA position 5645, G replaced by T.
Protein change: p.Arg1882Leu; replaces arginine 1882 with leucine.
Molecular consequence: missense variant.
Genome position (GRCh38, 1-based): chr11:108,304,823, G>T. VCF-style: chr11-108304823-G-T. GRCh37 (hg19) VCF-style: chr11-108175550-G-T.
Other names: c.5645G>T, p.Arg1882Leu (NM_001351834.2); short protein forms R1882L.
Identifiers: ClinVar variation 2110987 (VCV002110987.4), dbSNP rs587782236, ClinGen allele CA382546471.